The following is an entry in ClinVar:

ClinVar aggregate classification (germline): Uncertain significance (1 of 4 stars; one submission).

gnomAD v4.1: 2 of 1,551,602 alleles (0.00013%); highest among the groups gnomAD compares: Admixed American, 0.0039%; no homozygotes.

Submission:

Labcorp Genetics (formerly Invitae), Labcorp
Classification: Uncertain significance. Last evaluated: 2024-10-05. Review status: criteria provided, single submitter. Criteria: Invitae Variant Classification Sherloc (09022015). Collection method: clinical testing. Allele origin: germline.
Comment: This sequence change replaces glycine, which is neutral and non-polar, with glutamic acid, which is acidic and polar, at codon 1584 of the LOXHD1 protein (p.Gly1584Glu). This variant is present in population databases (no rsID available, gnomAD 0.004%). This variant has not been reported in the literature in individuals affected with LOXHD1-related conditions. An algorithm developed to predict the effect of missense changes on protein structure and function (PolyPhen-2) suggests that this variant is likely to be disruptive. In summary, the available evidence is currently insufficient to determine the role of this variant in disease. Therefore, it has been classified as a Variant of Uncertain Significance.

NM_001384474.1(LOXHD1):c.4751G>A (p.Gly1584Glu)

Gene: LOXHD1 (lipoxygenase homology PLAT domains 1; minus strand). Cytogenetic location: 18q21.1.
Variant type: single nucleotide variant.
Coding change: c.4751G>A on transcript NM_001384474.1 (MANE Select); coding-DNA position 4751, G replaced by A.
Protein change: p.Gly1584Glu; replaces glycine 1584 with glutamic acid.
Molecular consequence: missense variant.
Genome position (GRCh38, 1-based): chr18:46,524,591, C>T on the plus strand (G>A on the coding strand, the complement: LOXHD1 is on the minus strand). VCF-style: chr18-46524591-C-T. GRCh37 (hg19) VCF-style: chr18-44104554-C-T.
Other names: c.1418G>A, p.Gly473Glu (NM_001145472.3); c.1130G>A, p.Gly377Glu (NM_001308013.2); c.4751G>A, p.Gly1584Glu (NM_144612.7); short protein forms G1584E, G377E, G473E.
Identifiers: ClinVar variation 3607337 (VCV003607337.2).
Genomic context (GRCh38, chr18:46,524,591, plus strand): 5'-TTGGAGCTCAGGGCGATCTCCCAGAAGTCAGCAGGGCTGCTGCAGTTGCTGCTGCGGTCC[C>T]CAGTGTACTCCTGTGTGGGAGAGCAGGACTGGCAGTTGCAGCTCCAGCACCTCCACCTCG-3'
Protein context (NP_001371403.1, residues 1574-1594): ERLFYEKEYT[Gly1584Glu]DRSSNCSSPA